The following is an entry in ClinVar:

NM_001080467.3(MYO5B):c.3276+8G>A

Gene: MYO5B (myosin VB; minus strand). Cytogenetic location: 18q21.1.
Variant type: single nucleotide variant.
Coding change: c.3276+8G>A on transcript NM_001080467.3 (MANE Select); 8 bases into the intron after coding-DNA position 3276, G replaced by A.
Molecular consequence: intron variant.
Genome position (GRCh38, 1-based): chr18:49,878,937, C>T on the plus strand (G>A on the coding strand, the complement: MYO5B is on the minus strand). VCF-style: chr18-49878937-C-T. GRCh37 (hg19) VCF-style: chr18-47405307-C-T.
Identifiers: ClinVar variation 2059369 (VCV002059369.4), dbSNP rs199813290, ClinGen allele CA8960788.
Genomic context (GRCh38, chr18:49,878,937, plus strand): 5'-TCACGTGGTCAGAAGCTGGACAGGAGCCAGGGACCTGTGCCATGGCACAGCAGAAGCACC[C>T]CCCTTGCCTTTATGATGGTCATTTCATCCCGAAGGTTGTCGTATCTCTGCTCCAACTGTG-3'

ClinVar aggregate classification (germline): Conflicting classifications of pathogenicity. Review status: criteria provided, conflicting classifications (1 of 4 stars). 2 submissions from 2 submitters: Uncertain significance (1); Likely benign (1). Last evaluated 2024-02-15.

Allele frequency attached by ClinVar (database versions not stated): ExAC 0.00002; TOPMed 0.00003; gnomAD 0.00005; ESP Exome Variant Server 0.00008; gnomAD exomes 0.00008.
gnomAD v4.1: 118 of 1,613,994 alleles (0.0073%); highest among the groups gnomAD compares: Non-Finnish European, 0.0097%; no homozygotes.

Submissions (2):

Blueprint Genetics
Classification: Likely benign. Last evaluated: 2024-02-15. Review status: criteria provided, single submitter. Criteria: ACMG Guidelines, 2015. Collection method: clinical testing. Allele origin: germline.

Labcorp Genetics (formerly Invitae), Labcorp
Classification: Uncertain significance. Last evaluated: 2022-07-31. Review status: criteria provided, single submitter. Criteria: Invitae Variant Classification Sherloc (09022015). Collection method: clinical testing. Allele origin: germline.
Comment: In summary, the available evidence is currently insufficient to determine the role of this variant in disease. Therefore, it has been classified as a Variant of Uncertain Significance. Algorithms developed to predict the effect of sequence changes on RNA splicing suggest that this variant may create or strengthen a splice site. This variant has not been reported in the literature in individuals affected with MYO5B-related conditions. This variant is present in population databases (rs199813290, gnomAD 0.005%). This sequence change falls in intron 24 of the MYO5B gene. It does not directly change the encoded amino acid sequence of the MYO5B protein.